The following is an entry in ClinVar:

ClinVar aggregate classification (germline): Uncertain significance (1 of 4 stars; one submission).

Conditions:
Alpha-N-acetylgalactosaminidase deficiency type 1. Also called: SCHINDLER DISEASE, TYPE I; ALPHA-N-ACETYLGALACTOSAMINIDASE DEFICIENCY, TYPE I; NAGA DEFICIENCY, TYPE I; NEUROAXONAL DYSTROPHY, SCHINDLER TYPE. Identifiers: Orphanet 3137, Orphanet 79279, Orphanet 79281, MedGen C1836544, MONDO:0012221, OMIM 609241.

Allele frequency attached by ClinVar (database versions not stated): gnomAD 0.00001; gnomAD exomes 0.00002; ExAC 0.00011.
gnomAD v4.1: 31 of 1,612,180 alleles (0.0019%); highest among the groups gnomAD compares: South Asian, 0.022%; 1 homozygote.

Submission:

Labcorp Genetics (formerly Invitae), Labcorp
Classification: Uncertain significance for Alpha-N-acetylgalactosaminidase deficiency type 1. Last evaluated: 2022-07-29. Review status: criteria provided, single submitter. Criteria: Invitae Variant Classification Sherloc (09022015). Collection method: clinical testing. Allele origin: germline.
Comment: This sequence change replaces aspartic acid, which is acidic and polar, with asparagine, which is neutral and polar, at codon 86 of the NAGA protein (p.Asp86Asn). This variant is present in population databases (rs771645171, gnomAD 0.06%). This variant has not been reported in the literature in individuals affected with NAGA-related conditions. Algorithms developed to predict the effect of missense changes on protein structure and function are either unavailable or do not agree on the potential impact of this missense change (SIFT: "Deleterious"; PolyPhen-2: "Benign"; Align-GVGD: "Class C0"). In summary, the available evidence is currently insufficient to determine the role of this variant in disease. Therefore, it has been classified as a Variant of Uncertain Significance.

NM_000262.3(NAGA):c.256G>A (p.Asp86Asn)

Genes: NAGA (alpha-N-acetylgalactosaminidase; minus strand), LOC126863160 (CDK7 strongly-dependent group 2 enhancer GRCh37_chr22:42462918-42464117; plus strand). Cytogenetic location: 22q13.2.
Variant type: single nucleotide variant.
Coding change: c.256G>A on transcript NM_000262.3 (MANE Select); coding-DNA position 256, G replaced by A.
Protein change: p.Asp86Asn; replaces aspartic acid 86 with asparagine.
Molecular consequence: missense variant.
Genome position (GRCh38, 1-based): chr22:42,067,833, C>T on the plus strand (G>A on the coding strand, the complement: NAGA is on the minus strand). VCF-style: chr22-42067833-C-T. GRCh37 (hg19) VCF-style: chr22-42463837-C-T.
Other names: c.256G>A, p.Asp86Asn (NM_001362848.1, NM_001362850.1); short protein forms D86N.
Identifiers: ClinVar variation 2083946 (VCV002083946.1), dbSNP rs771645171, ClinGen allele CA10263893.